The following is an entry in ClinVar:

ClinVar aggregate classification (germline): Likely pathogenic (1 of 4 stars; one submission).

Allele frequency attached by ClinVar (database versions not stated): TOPMed below 0.00001; ExAC 0.00001; gnomAD 0.00001; gnomAD exomes 0.00002 and 0.00003.
gnomAD v4.1: 37 of 1,601,766 alleles (0.0023%); highest among the groups gnomAD compares: Non-Finnish European, 0.003%; no homozygotes.

Submission:

Labcorp Genetics (formerly Invitae), Labcorp
Classification: Likely pathogenic. Last evaluated: 2023-07-29. Review status: criteria provided, single submitter. Criteria: Invitae Variant Classification Sherloc (09022015). Collection method: clinical testing. Allele origin: germline.
Comment: This variant is present in population databases (rs772344220, gnomAD 0.006%). This sequence change affects a donor splice site in intron 4 of the OTOF gene. It is expected to disrupt RNA splicing. Variants that disrupt the donor or acceptor splice site typically lead to a loss of protein function (PMID: 16199547), and loss-of-function variants in OTOF are known to be pathogenic (PMID: 18381613, 19250381, 22575033). This variant has not been reported in the literature in individuals affected with OTOF-related conditions. ClinVar contains an entry for this variant (Variation ID: 1067578). Algorithms developed to predict the effect of sequence changes on RNA splicing suggest that this variant may disrupt the consensus splice site. In summary, the currently available evidence indicates that the variant is pathogenic, but additional data are needed to prove that conclusively. Therefore, this variant has been classified as Likely Pathogenic.

Literature cited by the submitters: PubMed 16199547; PubMed 18381613; PubMed 19250381; PubMed 22575033.

NM_194248.3(OTOF):c.327+2T>G

Gene: OTOF (otoferlin; minus strand). Cytogenetic location: 2p23.3.
Variant type: single nucleotide variant.
Coding change: c.327+2T>G on transcript NM_194248.3 (MANE Select); the canonical splice donor site of the intron after coding-DNA position 327, T replaced by G.
Molecular consequence: splice donor variant.
Genome position (GRCh38, 1-based): chr2:26,519,008, A>C on the plus strand (T>G on the coding strand, the complement: OTOF is on the minus strand). VCF-style: chr2-26519008-A-C. GRCh37 (hg19) VCF-style: chr2-26741876-A-C.
Other names: c.327+2T>G (NM_001287489.2).
Identifiers: ClinVar variation 1067578 (VCV001067578.7), dbSNP rs772344220, ClinGen allele CA1564721.
Genomic context (GRCh38, chr2:26,519,008, plus strand): 5'-GAGAACAGACCCCCAGATGGCCCCATATGGGAAAGTCCAGGAACTCCGTGGGGCATACCC[A>C]CCTTGATGATAGCATTGTTGTCATCAATCAGCGTGTCAGTCACCTCCACATGGCTCTCCT-3'